The following is an entry in ClinVar:

ClinVar aggregate classification (germline): Pathogenic/Likely pathogenic. Review status: criteria provided, multiple submitters, no conflicts (2 of 4 stars). 6 submissions from 6 submitters: Pathogenic (4); Likely pathogenic (1). 1 of the submissions does not count toward it. Last evaluated 2025-08-29.

Conditions:
Adult hypophosphatasia. Identifiers: Orphanet 247676, Orphanet 436, MedGen C0268413, MONDO:1010154, OMIM 146300, MONDO:0007798.
Childhood hypophosphatasia. Identifiers: Orphanet 247667, Orphanet 436, MedGen C0220743, MONDO:1010168, OMIM 241510, MONDO:0009428.
Infantile hypophosphatasia. Identifiers: Orphanet 247651, Orphanet 436, MedGen C0268412, MONDO:1010169, OMIM 241500, MONDO:0009427.
Hypophosphatasia. Also called: Phosphoethanol-aminuria. Identifiers: Orphanet 436, MedGen C0020630, MeSH D007014, MONDO:0018570.

Submissions (6):

Genomenon, Inc
Classification: Pathogenic for Hypophosphatasia. Last evaluated: 2025-08-29. Review status: criteria provided, single submitter. Criteria: Genomenon Sequence Variant Interpretation Standards. Collection method: curation. Allele origin: germline. Affected: yes.
Comment: ALPL c.997+2T>G is a canonical splice variant located in the donor splice region of intron 9. This variant has been observed in at least one proband affected with hypophosphatasia (PMID:18925618;15694177). It is absent or not present at a significant frequency in gnomAD. In conclusion, we classify ALPL c.997+2T>G as a pathogenic variant.

Variantyx, Inc.
Classification: Pathogenic for Adult hypophosphatasia. Last evaluated: 2025-03-13. Review status: criteria provided, single submitter. Criteria: Variantyx Assertion Criteria 2022. Collection method: clinical testing. Allele origin: paternal. Affected: yes.
Comment: This is a canonical splicing variant in the ALPL gene (OMIM: 171760). Pathogenic variants in this gene have been associated with autosomal dominant or autosomal recessive adult hypophosphatasia. This variant has been identified in the homozygous or compound heterozygous state in at least 1 individual from the published literature (PMID: 15694177) (PM3_Supporting). This variant is absent from control populations (PM2_Supporting). Inheritance from an unaffected or mildly affected parent has been reported, consistent with incomplete penetrance and variable expressivity (PMID: 20301329). Based on the current evidence, this variant is classified as pathogenic for autosomal dominant or autosomal recessive adult hypophosphatasia.

Labcorp Genetics (formerly Invitae), Labcorp
Classification: Pathogenic. Last evaluated: 2025-01-09. Review status: criteria provided, single submitter. Criteria: Invitae Variant Classification Sherloc (09022015). Collection method: clinical testing. Allele origin: germline.
Comment: This sequence change affects a donor splice site in intron 9 of the ALPL gene. It is expected to disrupt RNA splicing. Variants that disrupt the donor or acceptor splice site typically lead to a loss of protein function (PMID: 16199547), and loss-of-function variants in ALPL are known to be pathogenic (PMID: 3174660, 10679946, 32973344, 33814268). This variant is not present in population databases (gnomAD no frequency). Disruption of this splice site has been observed in individuals with autosomal recessive hypophosphatasia (PMID: 10679946, 15694177). ClinVar contains an entry for this variant (Variation ID: 371591). Algorithms developed to predict the effect of sequence changes on RNA splicing suggest that this variant may disrupt the consensus splice site. For these reasons, this variant has been classified as Pathogenic.

Natera, Inc.
Classification: Pathogenic for Hypophosphatasia. Last evaluated: 2024-09-04. Review status: criteria provided, single submitter. Criteria: Natera Variant Classification Schema (03/2026). Collection method: clinical testing. Allele origin: germline.
Comment: The c.997+2T>G variant in ALPL is a canonical splice donor site variant predicted to affect pre-mRNA splicing, which may result in an abnormal transcript and altered protein product. This variant is expected to result in nonsense mediated decay, truncation, or a dysfunctional protein product. This variant is rare in the general population with a frequency below the threshold expected for the associated phenotype(s). This variant has been observed in one or more individuals affected with the associated recessive disease, as either homozygous or compound heterozygous with a second variant (PMID: 15694177). Another variant at this same site results in an alteration predicted to cause a similar molecular effect has been observed in individual(s) with the associated phenotype. Given the available evidence, this variant is classified as Pathogenic.

Fulgent Genetics
Classification: Likely pathogenic for Adult hypophosphatasia; Infantile hypophosphatasia; Childhood hypophosphatasia. Last evaluated: 2024-06-12. Review status: criteria provided, single submitter. Criteria: ACMG Guidelines, 2015. Collection method: clinical testing. Allele origin: germline.

Counsyl
Classification: Pathogenic for Infantile hypophosphatasia. Last evaluated: 2016-10-26. Review status: no assertion criteria provided. Collection method: clinical testing. Allele origin: unknown. Not counted in ClinVar's aggregate classification.

Literature cited by the submitters: PubMed 18925618 (cited by Genomenon, Inc and Counsyl); PubMed 15694177 (cited by 4 submitters); PubMed 16199547 (cited by Labcorp Genetics (formerly Invitae), Labcorp); PubMed 3174660 (cited by Labcorp Genetics (formerly Invitae), Labcorp); PubMed 10679946 (cited by Labcorp Genetics (formerly Invitae), Labcorp); PubMed 32973344 (cited by Labcorp Genetics (formerly Invitae), Labcorp); PubMed 33814268 (cited by Labcorp Genetics (formerly Invitae), Labcorp).

NM_000478.6(ALPL):c.997+2T>G

Gene: ALPL (alkaline phosphatase, biomineralization associated; plus strand). Cytogenetic location: 1p36.12.
Variant type: single nucleotide variant.
Coding change: c.997+2T>G on transcript NM_000478.6 (MANE Select); the canonical splice donor site of the intron after coding-DNA position 997, T replaced by G.
Molecular consequence: splice donor variant.
Genome position (GRCh38, 1-based): chr1:21,573,801, T>G. VCF-style: chr1-21573801-T-G. GRCh37 (hg19) VCF-style: chr1-21900294-T-G.
Other names: c.997+2T>G (NM_001369805.2, NM_001369804.2, NM_001369803.2); c.832+2T>G (NM_001127501.4); c.766+2T>G (NM_001177520.3).
Identifiers: ClinVar variation 371591 (VCV000371591.14), dbSNP rs1057517391, ClinGen allele CA16040720.
Genomic context (GRCh38, chr1:21,573,801, plus strand): 5'-GGTGGTGGCCATCCAGATCCTGCGGAAGAACCCCAAAGGCTTCTTCTTGCTGGTGGAAGG[T>G]AGGGACCCCGGGTCTGCTGAGAGGGGGCTGCTGGAAACACGGCCCTGGTGTCAGGATGGA-3'